The following is an entry in ClinVar:

NM_004380.3(CREBBP):c.3639C>T (p.Cys1213=)

Gene: CREBBP (CREB binding lysine acetyltransferase; minus strand). Cytogenetic location: 16p13.3.
Variant type: single nucleotide variant.
Coding change: c.3639C>T on transcript NM_004380.3 (MANE Select); coding-DNA position 3639, C replaced by T.
Protein change: p.Cys1213=; no amino-acid change (cysteine 1213 retained).
Molecular consequence: synonymous variant.
Genome position (GRCh38, 1-based): chr16:3,757,347, G>A on the plus strand (C>T on the coding strand, the complement: CREBBP is on the minus strand). VCF-style: chr16-3757347-G-A. GRCh37 (hg19) VCF-style: chr16-3807348-G-A.
Other names: c.3639C>T (NM_004380.2); c.3525C>T, p.Cys1175= (NM_001079846.1).
Identifiers: ClinVar variation 2920586 (VCV002920586.4), dbSNP rs904796024, ClinGen allele CA276997448.

ClinVar aggregate classification (germline): Likely benign. Review status: criteria provided, multiple submitters, no conflicts (2 of 4 stars). 2 submissions from 2 submitters: Likely benign (2). Last evaluated 2025-11-17.

Conditions:
CREBBP-related disorder. Also called: CREBBP-related condition; CREBBP-related disorders.
Rubinstein-Taybi syndrome (RSTS). Identifiers: Orphanet 783, MedGen C0035934, MONDO:0019188.

Allele frequency attached by ClinVar (database versions not stated): gnomAD exomes below 0.00001; gnomAD 0.00001; TOPMed 0.00002.
gnomAD v4.1: 4 of 1,613,744 alleles (0.00025%); highest among the groups gnomAD compares: African/African-American, 0.004%; no homozygotes.

Submissions (2):

PreventionGenetics, part of Exact Sciences
Classification: Likely benign for CREBBP-related condition. Last evaluated: 2025-11-17. Review status: criteria provided, single submitter. Criteria: ACMG Guidelines, 2015. Collection method: clinical testing. Allele origin: germline.
Comment: This variant is classified as likely benign based on ACMG/AMP sequence variant interpretation guidelines (Richards et al. 2015 PMID: 25741868, with internal and published modifications).

Labcorp Genetics (formerly Invitae), Labcorp
Classification: Likely benign for Rubinstein-Taybi syndrome. Last evaluated: 2024-08-06. Review status: criteria provided, single submitter. Criteria: Invitae Variant Classification Sherloc (09022015). Collection method: clinical testing. Allele origin: germline.